The following is an entry in ClinVar:

ClinVar aggregate classification (germline): Uncertain significance (1 of 4 stars; one submission).

Conditions:
Tumor predisposition syndrome 3 (TPDS3). Also called: Melanoma, cutaneous malignant, susceptibility to, 10; Glioma susceptibility 9; LONG TELOMERE SYNDROME, POT1-RELATED; POT1 Tumor Predisposition. Identifiers: Orphanet 618, MedGen C4014476, MONDO:0014368, OMIM 615848.

Allele frequency attached by ClinVar (database versions not stated): gnomAD exomes below 0.00001 and 0.00001; ExAC 0.00002.
gnomAD v4.1: 6 of 1,612,742 alleles (0.00037%); highest among the groups gnomAD compares: South Asian, 0.0055%; no homozygotes.

Submission:

Labcorp Genetics (formerly Invitae), Labcorp
Classification: Uncertain significance for Tumor predisposition syndrome 3. Last evaluated: 2021-11-05. Review status: criteria provided, single submitter. Criteria: Invitae Variant Classification Sherloc (09022015). Collection method: clinical testing. Allele origin: germline.
Comment: In summary, the available evidence is currently insufficient to determine the role of this variant in disease. Therefore, it has been classified as a Variant of Uncertain Significance. Algorithms developed to predict the effect of missense changes on protein structure and function output the following: SIFT: "Tolerated"; PolyPhen-2: "Benign"; Align-GVGD: "Class C0". The tyrosine amino acid residue is found in multiple mammalian species, which suggests that this missense change does not adversely affect protein function. This variant has not been reported in the literature in individuals affected with POT1-related conditions. This variant is present in population databases (rs774285671, gnomAD 0.006%). This sequence change replaces cysteine, which is neutral and slightly polar, with tyrosine, which is neutral and polar, at codon 464 of the POT1 protein (p.Cys464Tyr).

NM_015450.3(POT1):c.1391G>A (p.Cys464Tyr)

Gene: POT1 (protection of telomeres 1; minus strand). Cytogenetic location: 7q31.33.
Variant type: single nucleotide variant.
Coding change: c.1391G>A on transcript NM_015450.3 (MANE Select); coding-DNA position 1391, G replaced by A.
Protein change: p.Cys464Tyr; replaces cysteine 464 with tyrosine.
Molecular consequence: missense variant. On other transcripts: non-coding transcript variant (3).
Genome position (GRCh38, 1-based): chr7:124,835,393, C>T on the plus strand (G>A on the coding strand, the complement: POT1 is on the minus strand). VCF-style: chr7-124835393-C-T. GRCh37 (hg19) VCF-style: chr7-124475447-C-T.
Other names: c.998G>A, p.Cys333Tyr (NM_001042594.2); short protein forms C464Y, C333Y.
Identifiers: ClinVar variation 1391373 (VCV001391373.6), dbSNP rs774285671, ClinGen allele CA4465133.